The following is an entry in ClinVar:

NM_015340.4(LARS2):c.317C>T (p.Thr106Ile)

Gene: LARS2 (leucyl-tRNA synthetase 2, mitochondrial; plus strand). Cytogenetic location: 3p21.31.
Variant type: single nucleotide variant.
Coding change: c.317C>T on transcript NM_015340.4 (MANE Select); coding-DNA position 317, C replaced by T.
Protein change: p.Thr106Ile; replaces threonine 106 with isoleucine.
Molecular consequence: missense variant.
Genome position (GRCh38, 1-based): chr3:45,400,327, C>T. VCF-style: chr3-45400327-C-T. GRCh37 (hg19) VCF-style: chr3-45441819-C-T.
Other names: c.317C>T, p.Thr106Ile (NM_001368263.1); short protein forms T106I.
Identifiers: ClinVar variation 1031905 (VCV001031905.1), dbSNP rs556672032, ClinGen allele CA73680430.

ClinVar aggregate classification (germline): Uncertain significance (1 of 4 stars; one submission).

Conditions:
Hydrops-lactic acidosis-sideroblastic anemia-multisystemic failure syndrome. Also called: Hydrops, lactic acidosis, and sideroblastic anemia. Identifiers: Orphanet 528091, MedGen C4310761, MONDO:0014869, OMIM 617021.

gnomAD v4.1: 16 of 1,613,794 alleles (0.00099%); highest among the groups gnomAD compares: Non-Finnish European, 0.0013%; no homozygotes.

Submission:

Baylor Genetics
Classification: Uncertain significance for Hydrops-lactic acidosis-sideroblastic anemia-multisystemic failure syndrome. Last evaluated: 2018-01-24. Review status: criteria provided, single submitter. Criteria: ACMG Guidelines, 2015. Collection method: clinical testing. Allele origin: maternal. Affected: yes.
Comment: This variant was determined to be of uncertain significance according to ACMG Guidelines, 2015 [PMID:25741868].